The following is an entry in ClinVar:

NM_018112.3(TMEM38B):c.134A>G (p.Lys45Arg)

Gene: TMEM38B (transmembrane protein 38B; plus strand). Cytogenetic location: 9q31.2.
Variant type: single nucleotide variant.
Coding change: c.134A>G on transcript NM_018112.3 (MANE Select); coding-DNA position 134, A replaced by G.
Protein change: p.Lys45Arg; replaces lysine 45 with arginine.
Molecular consequence: missense variant.
Genome position (GRCh38, 1-based): chr9:105,705,618, A>G. VCF-style: chr9-105705618-A-G. GRCh37 (hg19) VCF-style: chr9-108467899-A-G.
Other names: short protein forms K45R.
Identifiers: ClinVar variation 1429703 (VCV001429703.8), dbSNP rs1835627901, ClinGen allele CA374378590.

ClinVar aggregate classification (germline): Uncertain significance (1 of 4 stars; one submission).

Allele frequency attached by ClinVar (database versions not stated): TOPMed below 0.00001.

Submission:

Labcorp Genetics (formerly Invitae), Labcorp
Classification: Uncertain significance. Last evaluated: 2025-03-17. Review status: criteria provided, single submitter. Criteria: Invitae Variant Classification Sherloc (09022015). Collection method: clinical testing. Allele origin: germline.
Comment: This sequence change replaces lysine, which is basic and polar, with arginine, which is basic and polar, at codon 45 of the TMEM38B protein (p.Lys45Arg). This variant is not present in population databases (gnomAD no frequency). This variant has not been reported in the literature in individuals affected with TMEM38B-related conditions. ClinVar contains an entry for this variant (Variation ID: 1429703). An algorithm developed to predict the effect of missense changes on protein structure and function outputs the following: PolyPhen-2: "Benign". The arginine amino acid residue is found in multiple mammalian species, which suggests that this missense change does not adversely affect protein function. In summary, the available evidence is currently insufficient to determine the role of this variant in disease. Therefore, it has been classified as a Variant of Uncertain Significance.